The following is an entry in ClinVar:

ClinVar aggregate classification (germline): Uncertain significance (1 of 4 stars; one submission).

Submission:

GeneDx
Classification: Uncertain significance. Last evaluated: 2025-08-13. Review status: criteria provided, single submitter. Criteria: GeneDx Variant Classification Process June 2021. Collection method: clinical testing. Allele origin: germline. Affected: yes.
Comment: Not observed at significant frequency in large population cohorts (gnomAD); In silico analysis supports that this missense variant has a deleterious effect on protein structure/function; Has not been previously published as pathogenic or benign to our knowledge

NM_173660.5(DOK7):c.845C>T (p.Thr282Ile)

Gene: DOK7 (docking protein 7; plus strand). Cytogenetic location: 4p16.3.
Variant type: single nucleotide variant.
Coding change: c.845C>T on transcript NM_173660.5 (MANE Select); coding-DNA position 845, C replaced by T.
Protein change: p.Thr282Ile; replaces threonine 282 with isoleucine.
Molecular consequence: missense variant. On other transcripts: 3 prime UTR variant (1), 5 prime UTR variant (1).
Genome position (GRCh38, 1-based): chr4:3,492,831, C>T. VCF-style: chr4-3492831-C-T. GRCh37 (hg19) VCF-style: chr4-3494558-C-T.
Other names: c.*66C>T (NM_001164673.2); c.-86C>T (NM_001256896.2); c.845C>T, p.Thr282Ile (NM_001301071.2); c.413C>T, p.Thr138Ile (NM_001363811.2); short protein forms T282I, T138I.
Identifiers: ClinVar variation 4795610 (VCV004795610.1).
Genomic context (GRCh38, chr4:3,492,831, plus strand): 5'-GCCTGTCCAGCTCATCCTCAGAGGCCAGTCACTTGGACGTCAGCGCCAGCAGCCGGCTCA[C>T]CGCATGGCCAGAGCAATCCTCGTCGTCAGCCAGCACGTCACAGGAGGGGCCTAGACCAGC-3'
Protein context (NP_775931.3, residues 272-292): HLDVSASSRL[Thr282Ile]AWPEQSSSSA